The following is an entry in ClinVar:

NM_004329.3(BMPR1A):c.419C>G (p.Pro140Arg)

Gene: BMPR1A (bone morphogenetic protein receptor type 1A; plus strand). Cytogenetic location: 10q23.2.
Variant type: single nucleotide variant.
Coding change: c.419C>G on transcript NM_004329.3 (MANE Select); coding-DNA position 419, C replaced by G.
Protein change: p.Pro140Arg; replaces proline 140 with arginine.
Molecular consequence: missense variant. On other transcripts: non-coding transcript variant (3), intron variant (1).
Genome position (GRCh38, 1-based): chr10:86,899,879, C>G. VCF-style: chr10-86899879-C-G. GRCh37 (hg19) VCF-style: chr10-88659636-C-G.
Other names: c.419C>G, p.Pro140Arg (NM_001406559.1, NM_001406560.1, NM_001406561.1 and 22 more transcripts); c.335C>G, p.Pro112Arg (NM_001406584.1, NM_001406585.1, NM_001406586.1 and 2 more transcripts); c.333+7650C>G (NM_001406589.1); short protein forms P112R, P140R.
Identifiers: ClinVar variation 2626636 (VCV002626636.2), dbSNP rs1312138101, ClinGen allele CA377449843.

ClinVar aggregate classification (germline): Uncertain significance (1 of 4 stars; one submission).

Conditions:
Hereditary cancer-predisposing syndrome. Also called: Tumor predisposition; Hereditary Cancer Syndrome; Hereditary neoplastic syndrome; Neoplastic Syndromes, Hereditary. Identifiers: Orphanet 140162, MedGen C0027672, MeSH D009386, MONDO:0015356.

Submission:

Ambry Genetics
Classification: Uncertain significance for Hereditary cancer-predisposing syndrome. Last evaluated: 2023-08-30. Review status: criteria provided, single submitter. Criteria: Ambry Variant Classification Scheme 2023. Collection method: clinical testing. Allele origin: germline.
Comment: The p.P140R variant (also known as c.419C>G), located in coding exon 4 of the BMPR1A gene, results from a C to G substitution at nucleotide position 419. The proline at codon 140 is replaced by arginine, an amino acid with dissimilar properties. This amino acid position is conserved. In addition, this alteration is predicted to be deleterious by in silico analysis. Since supporting evidence is limited at this time, the clinical significance of this alteration remains unclear.